The following is an entry in ClinVar:

ClinVar aggregate classification (germline): Likely pathogenic (1 of 4 stars; one submission).

Conditions:
Asphyxiating thoracic dystrophy 3. Also called: SHORT-RIB THORACIC DYSPLASIA 3 WITH OR WITHOUT POLYDACTYLY; POLYDACTYLY WITH NEONATAL CHONDRODYSTROPHY, TYPE I; SHORT-RIB THORACIC DYSPLASIA 3/6 WITH POLYDACTYLY, DIGENIC; Short rib polydactyly syndrome 2B; Saldino-Noonan Syndrome. Identifiers: Orphanet 474, Orphanet 93269, Orphanet 93270, Orphanet 93271, MedGen C0036069, MONDO:0013127, OMIM 613091.

gnomAD v4.1: 3 of 1,553,404 alleles (0.00019%); highest among the groups gnomAD compares: East Asian, 0.0047%; no homozygotes.

Submission:

Juno Genomics, Hangzhou Juno Genomics, Inc
Classification: Likely pathogenic for Asphyxiating thoracic dystrophy 3. Review status: criteria provided, single submitter. Criteria: ACMG Guidelines, 2015. Collection method: clinical testing. Allele origin: germline. Affected: yes.
Comment: Absent from controls (or at extremely low frequency if recessive) in Genome Aggregation Database.;For recessive disorders, detected in trans with a pathogenic variant.;Co-segregation with disease in multiple affected family members.;Patient's phenotype or family history is highly specific for a disease with a single genetic etiology.;Located in a mutational hot spot and/or critical and well-established functional domain without benign variation.

NM_001377.3(DYNC2H1):c.7582G>C (p.Ala2528Pro)

Gene: DYNC2H1 (dynein cytoplasmic 2 heavy chain 1; plus strand). Cytogenetic location: 11q22.3.
Variant type: single nucleotide variant.
Coding change: c.7582G>C on transcript NM_001377.3 (MANE Select); coding-DNA position 7582, G replaced by C.
Protein change: p.Ala2528Pro; replaces alanine 2528 with proline.
Molecular consequence: missense variant.
Genome position (GRCh38, 1-based): chr11:103,192,138, G>C. VCF-style: chr11-103192138-G-C. GRCh37 (hg19) VCF-style: chr11-103062867-G-C.
Other names: c.7582G>C, p.Ala2528Pro (NM_001080463.2); short protein forms A2528P.
Identifiers: ClinVar variation 5018528 (VCV005018528.2).